The following is an entry in ClinVar:

NM_007050.6(PTPRT):c.1658T>C (p.Phe553Ser)

Gene: PTPRT (protein tyrosine phosphatase receptor type T; minus strand). Cytogenetic location: 20q12.
Variant type: single nucleotide variant.
Coding change: c.1658T>C on transcript NM_007050.6 (MANE Select); coding-DNA position 1658, T replaced by C.
Protein change: p.Phe553Ser; replaces phenylalanine 553 with serine.
Molecular consequence: missense variant.
Genome position (GRCh38, 1-based): chr20:42,352,188, A>G on the plus strand (T>C on the coding strand, the complement: PTPRT is on the minus strand). VCF-style: chr20-42352188-A-G. GRCh37 (hg19) VCF-style: chr20-40980828-A-G.
Other names: c.1658T>C, p.Phe553Ser (NM_001394024.1, NM_001394025.1, NM_001394026.1 and 1 more transcripts); short protein forms F553S.
Identifiers: ClinVar variation 2652341 (VCV002652341.24), dbSNP rs1182688044, ClinGen allele CA409358372.

ClinVar aggregate classification (germline): Uncertain significance (1 of 4 stars; one submission).

Submission:

CeGaT Center for Human Genetics Tuebingen
Classification: Uncertain significance. Last evaluated: 2023-03-01. Review status: criteria provided, single submitter. Criteria: CeGaT Center For Human Genetics Tuebingen Variant Classification Criteria Version 2. Collection method: clinical testing. Allele origin: germline. Affected: yes. Observed: 1 variant allele.
Comment: PTPRT: PM2, PP2